The following is an entry in ClinVar:

NM_182641.4(BPTF):c.2750A>G (p.Tyr917Cys)

Gene: BPTF (bromodomain PHD finger transcription factor; plus strand). Cytogenetic location: 17q24.2.
Variant type: single nucleotide variant.
Coding change: c.2750A>G on transcript NM_182641.4 (MANE Select); coding-DNA position 2750, A replaced by G.
Protein change: p.Tyr917Cys; replaces tyrosine 917 with cysteine.
Molecular consequence: missense variant.
Genome position (GRCh38, 1-based): chr17:67,904,778, A>G. VCF-style: chr17-67904778-A-G. GRCh37 (hg19) VCF-style: chr17-65900894-A-G.
Other names: c.3128A>G, p.Tyr1043Cys (NM_004459.7); short protein forms Y917C, Y1043C.
Identifiers: ClinVar variation 3684011 (VCV003684011.3).
Genomic context (GRCh38, chr17:67,904,778, plus strand): 5'-GTGAAGAGTACAGAGTGACAGGATATGGTGGTTGGAGCTGGATTAGTAAAACTCATGTTT[A>G]TAGGTTTGTTCCTAAATTGCCAGGCAATACTAATGTGAATTACAGAAAGTCGTTAGAAGG-3'
Protein context (NP_872579.2, residues 907-927): GWSWISKTHV[Tyr917Cys]RFVPKLPGNT

ClinVar aggregate classification (germline): Uncertain significance. Review status: criteria provided, multiple submitters, no conflicts (2 of 4 stars). 2 submissions from 2 submitters: Uncertain significance (2). Last evaluated 2025-08-28.

Conditions:
Neurodevelopmental disorder with dysmorphic facies and distal limb anomalies. Identifiers: Orphanet 686482, MedGen C4540327, MONDO:0060596, OMIM 617755.

gnomAD v4.1: 1 of 1,612,942 alleles (0.000062%); highest among the groups gnomAD compares: Non-Finnish European, 0.000085%; no homozygotes.

Submissions (2):

Laboratorio de Genetica e Diagnostico Molecular, Hospital Israelita Albert Einstein
Classification: Uncertain significance for Neurodevelopmental disorder with dysmorphic facies and distal limb anomalies. Last evaluated: 2025-08-28. Review status: criteria provided, single submitter. Criteria: ACMG Guidelines, 2015. Collection method: clinical testing. Allele origin: germline. Affected: yes.
Comment: ACMG classification criteria: PM2 supporting, PP2 supporting, BP4 supporting

Labcorp Genetics (formerly Invitae), Labcorp
Classification: Uncertain significance. Last evaluated: 2024-04-02. Review status: criteria provided, single submitter. Criteria: Invitae Variant Classification Sherloc (09022015). Collection method: clinical testing. Allele origin: germline.
Comment: This sequence change replaces tyrosine, which is neutral and polar, with cysteine, which is neutral and slightly polar, at codon 1043 of the BPTF protein (p.Tyr1043Cys). This variant is present in population databases (no rsID available, gnomAD 0.002%). This variant has not been reported in the literature in individuals affected with BPTF-related conditions. An algorithm developed to predict the effect of missense changes on protein structure and function (PolyPhen-2) suggests that this variant is likely to be disruptive. In summary, the available evidence is currently insufficient to determine the role of this variant in disease. Therefore, it has been classified as a Variant of Uncertain Significance.